The following is an entry in ClinVar:

ClinVar aggregate classification (germline): Benign (1 of 4 stars; one submission).

Conditions:
Frank-Ter Haar syndrome. Also called: TER HAAR SYNDROME; MELNICK-NEEDLES SYNDROME, AUTOSOMAL RECESSIVE; BORRONE DERMATOCARDIOSKELETAL SYNDROME; Borrone di Rocco Crovato syndrome. Identifiers: Orphanet 1266, Orphanet 137834, MedGen C1855305, MONDO:0009579, OMIM 249420.

Allele frequency attached by ClinVar (database versions not stated): gnomAD exomes 0.00050; 1000 Genomes Project 0.00579; 1000 Genomes Project 30x 0.00609; gnomAD 0.00678 and 0.00726; TOPMed 0.00742.
gnomAD v4.1: 1,516 of 1,082,704 alleles (0.14%); highest among the groups gnomAD compares: African/African-American, 2.3%; 18 homozygotes.

Submission:

Illumina Laboratory Services, Illumina
Classification: Benign for Frank-Ter Haar syndrome. Last evaluated: 2017-04-27. Review status: criteria provided, single submitter. Criteria: ICSL Variant Classification Criteria 13 December 2019. Collection method: clinical testing. Allele origin: germline.
Comment: This variant was observed as part of a predisposition screen in an ostensibly healthy population. A literature search was performed for the gene, cDNA change, and amino acid change (where applicable). No publications were found based on this search. Allele frequency data from public databases was too high to be consistent with this variant causing disease. Therefore, this variant is classified as benign.

NM_001017995.3(SH3PXD2B):c.*3114A>G

Gene: SH3PXD2B (SH3 and PX domains 2B; minus strand). Cytogenetic location: 5q35.1.
Variant type: single nucleotide variant.
Coding change: c.*3114A>G on transcript NM_001017995.3 (MANE Select); 3114 bases downstream of the stop codon, A replaced by G.
Molecular consequence: 3 prime UTR variant. On other transcripts: intron variant (1).
Genome position (GRCh38, 1-based): chr5:172,335,255, T>C on the plus strand (A>G on the coding strand, the complement: SH3PXD2B is on the minus strand). VCF-style: chr5-172335255-T-C. GRCh37 (hg19) VCF-style: chr5-171762259-T-C.
Other names: c.1189-9875A>G (NM_001308175.2).
Identifiers: ClinVar variation 903699 (VCV000903699.4), dbSNP rs147455605, ClinGen allele CA132179757.
Genomic context (GRCh38, chr5:172,335,255, plus strand): 5'-AGGTAAAGTAGTTGTCACAATTGTGTTAATAAGCAGGGGTGAGGGGAAGAAAAAAAAATC[T>C]CTGCCCACCTTTTGGGCTGCCATTTGGCCTGTGACCTACTGAAATGTGTGAGCAAGGGGC-3'